The following is an entry in ClinVar:

NM_003002.4(SDHD):c.7G>A (p.Val3Ile)

Genes: SDHD (succinate dehydrogenase complex subunit D; plus strand), LOC126861339 (BRD4-independent group 4 enhancer GRCh37_chr11:111957035-111958234; plus strand). Cytogenetic location: 11q23.1.
Variant type: single nucleotide variant.
Coding change: c.7G>A on transcript NM_003002.4 (MANE Select); coding-DNA position 7, G replaced by A.
Protein change: p.Val3Ile; replaces valine 3 with isoleucine.
Molecular consequence: missense variant. On other transcripts: non-coding transcript variant (1).
Genome position (GRCh38, 1-based): chr11:112,086,914, G>A. VCF-style: chr11-112086914-G-A. GRCh37 (hg19) VCF-style: chr11-111957638-G-A.
Other names: c.7G>A, p.Val3Ile (NM_001276503.2, NM_001276504.2, NM_001276506.2); short protein forms V3I.
Identifiers: ClinVar variation 1367149 (VCV001367149.6), dbSNP rs1555186656, ClinGen allele CA382616618.
Genomic context (GRCh38, chr11:112,086,914, plus strand): 5'-TTGTCGCCTAAGTGGTTCCGGGTTGGTGGATGACCTTGAGCCCTCAGGAACGAGATGGCG[G>A]TTCTCTGGAGGCTGAGTGCCGTTTGCGGTGCCCTAGGAGGCCGAGGTGAGGGGTCTTCCC-3'
Protein context (NP_002993.1, residues 1-13): MA[Val3Ile]LWRLSAVCGA

ClinVar aggregate classification (germline): Uncertain significance (1 of 4 stars; one submission).

Conditions:
Pheochromocytoma. Also called: MAX-Related Hereditary Paraganglioma-Pheochromocytoma Syndrome. Identifiers: Orphanet 29072, MedGen C0031511, MONDO:0008233, OMIM 171300, HP:0002666.
Paragangliomas with sensorineural hearing loss. Identifiers: MedGen C1868633.
Carney-Stratakis syndrome. Also called: PARAGANGLIOMA AND GASTROINTESTINAL STROMAL TUMOR. Identifiers: Orphanet 97286, MedGen C1847319, MONDO:0011740, OMIM 606864.
Cowden syndrome 3 (CWS3). Identifiers: Orphanet 201, MedGen CN166604, MONDO:0014045.

Submission:

Labcorp Genetics (formerly Invitae), Labcorp
Classification: Uncertain significance for Carney-Stratakis syndrome; Paragangliomas with sensorineural hearing loss; Pheochromocytoma; Cowden syndrome 3. Last evaluated: 2023-02-09. Review status: criteria provided, single submitter. Criteria: Invitae Variant Classification Sherloc (09022015). Collection method: clinical testing. Allele origin: germline.
Comment: In summary, the available evidence is currently insufficient to determine the role of this variant in disease. Therefore, it has been classified as a Variant of Uncertain Significance. Algorithms developed to predict the effect of missense changes on protein structure and function output the following: SIFT: "Tolerated"; PolyPhen-2: "Benign"; Align-GVGD: "Class C0". The isoleucine amino acid residue is found in multiple mammalian species, which suggests that this missense change does not adversely affect protein function. ClinVar contains an entry for this variant (Variation ID: 1367149). This variant has not been reported in the literature in individuals affected with SDHD-related conditions. This variant is not present in population databases (gnomAD no frequency). This sequence change replaces valine, which is neutral and non-polar, with isoleucine, which is neutral and non-polar, at codon 3 of the SDHD protein (p.Val3Ile).